The following is an entry in ClinVar:

ClinVar aggregate classification (germline): Uncertain significance. Review status: criteria provided, multiple submitters, no conflicts (2 of 4 stars). 2 submissions from 2 submitters: Uncertain significance (2). Last evaluated 2023-03-09.

Conditions:
Ehlers-Danlos syndrome, type 4 (EDSVASC). Also called: Ehlers-Danlos syndrome vascular type; Ehlers Danlos syndrome, ecchymotic type; Ehlers Danlos syndrome, arterial type; Ehlers Danlos syndrome, Sack-Barabas type; Ehlers-Danlos Syndrome Type IV. Identifiers: Orphanet 286, MedGen C0268338, MONDO:0017314, OMIM 130050.

Submissions (2):

All of Us Research Program, National Institutes of Health
Classification: Uncertain significance for Ehlers-Danlos syndrome, type 4. Last evaluated: 2023-03-09. Review status: criteria provided, single submitter. Criteria: ACMG Guidelines, 2015. Collection method: clinical testing. Allele origin: germline. Inheritance: Autosomal dominant inheritance. Observed: 1 variant allele, 1 heterozygote.
Comment: This missense variant replaces proline with leucine at codon 703 of the COL3A1 protein. Computational prediction suggests that this variant may not impact protein structure and function (internally defined REVEL score threshold <= 0.5, PMID: 27666373). To our knowledge, functional studies have not been reported for this variant. This variant has been reported in an individual affected with thoracic aortic aneurysms and dissections (PMID: 27146836). This variant has not been identified in the general population by the Genome Aggregation Database (gnomAD). The available evidence is insufficient to determine the role of this variant in disease conclusively. Therefore, this variant is classified as a Variant of Uncertain Significance.

This study involves interpretation of variants in research participants for the purpose of population health screening. Participant phenotype was not available at the time of variant classification. Additional details can be found in publication PMID: 35346344, PMCID: PMC8962531

Labcorp Genetics (formerly Invitae), Labcorp
Classification: Uncertain significance for Ehlers-Danlos syndrome, type 4. Last evaluated: 2021-09-26. Review status: criteria provided, single submitter. Criteria: Invitae Variant Classification Sherloc (09022015). Collection method: clinical testing. Allele origin: germline.
Comment: Algorithms developed to predict the effect of missense changes on protein structure and function are either unavailable or do not agree on the potential impact of this missense change (SIFT: "Deleterious"; PolyPhen-2: "Not Available"; Align-GVGD: "Class C15"). This variant has not been reported in the literature in individuals affected with COL3A1-related conditions. This variant is not present in population databases (ExAC no frequency). This sequence change replaces proline with leucine at codon 703 of the COL3A1 protein (p.Pro703Leu). The proline residue is highly conserved and there is a moderate physicochemical difference between proline and leucine. In summary, the available evidence is currently insufficient to determine the role of this variant in disease. Therefore, it has been classified as a Variant of Uncertain Significance.

Literature cited by the submitters: PubMed 27146836 (cited by All of Us Research Program, National Institutes of Health).

NM_000090.4(COL3A1):c.2108C>T (p.Pro703Leu)

Gene: COL3A1 (collagen type III alpha 1 chain; plus strand). Cytogenetic location: 2q32.2.
Variant type: single nucleotide variant.
Coding change: c.2108C>T on transcript NM_000090.4 (MANE Select); coding-DNA position 2108, C replaced by T.
Protein change: p.Pro703Leu; replaces proline 703 with leucine.
Molecular consequence: missense variant.
Genome position (GRCh38, 1-based): chr2:188,999,370, C>T. VCF-style: chr2-188999370-C-T. GRCh37 (hg19) VCF-style: chr2-189864096-C-T.
Other names: short protein forms P703L.
Identifiers: ClinVar variation 969556 (VCV000969556.9), dbSNP rs1688401669, ClinGen allele CA349840366.